The following is an entry in ClinVar:

ClinVar aggregate classification (germline): Likely benign (1 of 4 stars; one submission).

Conditions:
Familial thoracic aortic aneurysm and aortic dissection (TAAD). Also called: Thoracic aortic aneurysms and dissections. Identifiers: Orphanet 91387, MedGen C4707243, MONDO:0019625.

Allele frequency attached by ClinVar (database versions not stated): gnomAD exomes below 0.00001; TOPMed below 0.00001.
gnomAD v4.1: 1 of 1,613,766 alleles (0.000062%); highest among the groups gnomAD compares: Non-Finnish European, 0.000085%; no homozygotes.

Submission:

All of Us Research Program, National Institutes of Health
Classification: Likely benign for Familial thoracic aortic aneurysm and aortic dissection. Last evaluated: 2023-02-24. Review status: criteria provided, single submitter. Criteria: ACMG Guidelines, 2015. Collection method: clinical testing. Allele origin: germline. Inheritance: Autosomal dominant inheritance. Observed: 1 variant allele, 1 heterozygote.
Comment: This study involves interpretation of variants in research participants for the purpose of population health screening. Participant phenotype was not available at the time of variant classification. Additional details can be found in publication PMID: 35346344, PMCID: PMC8962531

NM_002474.3(MYH11):c.804A>G (p.Lys268=)

Gene: MYH11 (myosin heavy chain 11; minus strand). Cytogenetic location: 16p13.11.
Variant type: single nucleotide variant.
Coding change: c.804A>G on transcript NM_002474.3 (MANE Select); coding-DNA position 804, A replaced by G.
Protein change: p.Lys268=; no amino-acid change (lysine 268 retained).
Molecular consequence: synonymous variant.
Genome position (GRCh38, 1-based): chr16:15,776,163, T>C on the plus strand (A>G on the coding strand, the complement: MYH11 is on the minus strand). VCF-style: chr16-15776163-T-C. GRCh37 (hg19) VCF-style: chr16-15870020-T-C.
Other names: c.825A>G, p.Lys275= (NM_001040113.2, NM_001040114.2); c.804A>G, p.Lys268= (NM_022844.3).
Identifiers: ClinVar variation 3069524 (VCV003069524.1), dbSNP rs1180741171, ClinGen allele CA493776266.